The following is an entry in ClinVar:

ClinVar aggregate classification (germline): Uncertain significance (1 of 4 stars; one submission).

Conditions:
KDM6A-related disorder. Also called: KDM6A-related condition.

Allele frequency attached by ClinVar (database versions not stated): ExAC 0.00001; gnomAD exomes 0.00001.
gnomAD v4.1: 15 of 1,209,385 alleles (0.0012%); highest among the groups gnomAD compares: Non-Finnish European, 0.0017%; no homozygotes.

Submission:

PreventionGenetics, part of Exact Sciences
Classification: Uncertain significance for KDM6A-related condition. Last evaluated: 2023-03-02. Review status: criteria provided, single submitter. Criteria: ACMG Guidelines, 2015. Collection method: clinical testing. Allele origin: germline.
Comment: The KDM6A c.224A>C variant is predicted to result in the amino acid substitution p.Lys75Thr. To our knowledge, this variant has not been reported in the literature. This variant is reported in 0.0013% of alleles in individuals of European (Non-Finnish) descent in gnomAD. At this time, the clinical significance of this variant is uncertain due to the absence of conclusive functional and genetic evidence.

NM_001291415.2(KDM6A):c.224A>C (p.Lys75Thr)

Gene: KDM6A (lysine demethylase 6A; plus strand). Cytogenetic location: Xp11.3.
Variant type: single nucleotide variant.
Coding change: c.224A>C on transcript NM_001291415.2 (MANE Select); coding-DNA position 224, A replaced by C.
Protein change: p.Lys75Thr; replaces lysine 75 with threonine.
Molecular consequence: missense variant. On other transcripts: 5 prime UTR variant (1), non-coding transcript variant (1).
Genome position (GRCh38, 1-based): chrX:44,873,986, A>C. VCF-style: chrX-44873986-A-C. GRCh37 (hg19) VCF-style: chrX-44733232-A-C.
Other names: c.224A>C, p.Lys75Thr (NM_001291416.2, NM_001291417.2, NM_001291418.2 and 9 more transcripts); c.-409A>C (NM_001291421.2); short protein forms K75T.
Identifiers: ClinVar variation 2630634 (VCV002630634.1), dbSNP rs764394692, ClinGen allele CA10392127.